The following is an entry in ClinVar:

NM_006885.4(ZFHX3):c.679G>A (p.Val227Ile)

Gene: ZFHX3 (zinc finger homeobox 3; minus strand). Cytogenetic location: 16q22.3.
Variant type: single nucleotide variant.
Coding change: c.679G>A on transcript NM_006885.4 (MANE Select); coding-DNA position 679, G replaced by A.
Protein change: p.Val227Ile; replaces valine 227 with isoleucine.
Molecular consequence: missense variant. On other transcripts: intron variant (1).
Genome position (GRCh38, 1-based): chr16:72,959,467, C>T on the plus strand (G>A on the coding strand, the complement: ZFHX3 is on the minus strand). VCF-style: chr16-72959467-C-T. GRCh37 (hg19) VCF-style: chr16-72993366-C-T.
Other names: c.679G>A, p.Val227Ile (NM_001386735.1); c.-23-8502G>A (NM_001164766.2); short protein forms V227I.
Identifiers: ClinVar variation 2344515 (VCV002344515.15), dbSNP rs140855443, ClinGen allele CA8164924.
Genomic context (GRCh38, chr16:72,959,467, plus strand): 5'-TGTTCAGGTAATCCTTGTTGCTTTTGTGTCGCACGTCAAACACGCGGAAGCTGTGCAGGA[C>T]GGGGCTGAGCCCCGCCAGGGCTGAGGTATTCGGGAAAGCCTGGTCTGGGCCCTCAAACCA-3'
Protein context (NP_008816.3, residues 217-237): NTSALAGLSP[Val227Ile]LHSFRVFDVR

ClinVar aggregate classification (germline): Conflicting classifications of pathogenicity. Review status: criteria provided, conflicting classifications (1 of 4 stars). 2 submissions from 2 submitters: Uncertain significance (1); Likely benign (1). Last evaluated 2025-01-01.

Allele frequency attached by ClinVar (database versions not stated): ESP Exome Variant Server 0.00015; 1000 Genomes Project 30x 0.00016; TOPMed 0.00017; gnomAD 0.00019; 1000 Genomes Project 0.00020; ExAC 0.00024.
gnomAD v4.1: 402 of 1,614,246 alleles (0.025%); highest among the groups gnomAD compares: South Asian, 0.044%; 1 homozygote.

Submissions (2):

CeGaT Center for Human Genetics Tuebingen
Classification: Likely benign. Last evaluated: 2025-01-01. Review status: criteria provided, single submitter. Criteria: CeGaT Center For Human Genetics Tuebingen Variant Classification Criteria Version 2. Collection method: clinical testing. Allele origin: germline. Affected: yes. Observed: 1 variant allele.
Comment: ZFHX3: BS2

Ambry Genetics
Classification: Uncertain significance. Last evaluated: 2024-02-13. Review status: criteria provided, single submitter. Criteria: Ambry Variant Classification Scheme 2023. Collection method: clinical testing. Allele origin: germline.